The following is an entry in ClinVar:

NM_000112.4(SLC26A2):c.1987G>A (p.Gly663Arg)

Gene: SLC26A2 (solute carrier family 26 member 2; plus strand). Cytogenetic location: 5q32.
Variant type: single nucleotide variant.
Coding change: c.1987G>A on transcript NM_000112.4 (MANE Select); coding-DNA position 1987, G replaced by A.
Protein change: p.Gly663Arg; replaces glycine 663 with arginine.
Molecular consequence: missense variant.
Genome position (GRCh38, 1-based): chr5:149,981,580, G>A. VCF-style: chr5-149981580-G-A. GRCh37 (hg19) VCF-style: chr5-149361143-G-A.
Other names: short protein forms G663R.
Identifiers: ClinVar variation 550616 (VCV000550616.19), dbSNP rs1554095397, ClinGen allele CA361709574.

ClinVar aggregate classification (germline): Pathogenic/Likely pathogenic. Review status: criteria provided, multiple submitters, no conflicts (2 of 4 stars). 6 submissions from 6 submitters: Pathogenic (3); Likely pathogenic (1). 2 of the submissions do not count toward it. Last evaluated 2024-08-19.

Conditions:
Achondrogenesis, type IB (ACG1B). Also called: Achondrogenesis Type 1B. Identifiers: Orphanet 932, Orphanet 93298, MedGen C0265274, MONDO:0010966, OMIM 600972.
Multiple epiphyseal dysplasia type 4 (EDM4). Also called: MULTIPLE EPIPHYSEAL DYSPLASIA WITH BILAYERED PATELLAE; MULTIPLE EPIPHYSEAL DYSPLASIA WITH CLUBFOOT; MULTIPLE EPIPHYSEAL DYSPLASIA, AUTOSOMAL RECESSIVE; SLC26A2-Related Multiple Epiphyseal Dysplasia; Multiple Epiphyseal Dysplasia, Recessive. Identifiers: Orphanet 93307, MedGen C1847593, MONDO:0009189, OMIM 226900.
Atelosteogenesis type II (AO2). Also called: SLC26A2-Related Atelosteogenesis; NEONATAL OSSEOUS DYSPLASIA I; Neonatal osseous dysplasia 1. Identifiers: Orphanet 56304, MedGen C1850554, MONDO:0009727, OMIM 256050.
Diastrophic dysplasia (DTD). Also called: Diastrophic dwarfism. Identifiers: Orphanet 628, MedGen C0220726, MONDO:0009107, OMIM 222600.
Osteochondrodysplasia. Identifiers: MedGen C0029422, MONDO:0005516.

Allele frequency attached by ClinVar (database versions not stated): TOPMed below 0.00001; gnomAD 0.00001; gnomAD exomes 0.00002.
gnomAD v4.1: 30 of 1,614,094 alleles (0.0019%); highest among the groups gnomAD compares: East Asian, 0.062%; no homozygotes.

Submissions (6):

Women's Health and Genetics/Laboratory Corporation of America, LabCorp
Classification: Pathogenic for Osteochondrodysplasia. Last evaluated: 2024-08-19. Review status: criteria provided, single submitter. Criteria: LabCorp Variant Classification Summary - May 2015. Collection method: clinical testing. Allele origin: germline.
Comment: Variant summary: SLC26A2 c.1987G>A (p.Gly663Arg) results in a non-conservative amino acid change located in the STAS domain (IPR002645) of the encoded protein sequence. Five of five in-silico tools predict a damaging effect of the variant on protein function. The variant was absent in 251228 control chromosomes (gnomAD). However, the variant was reported in the Japanese population with an allele frequency of 0.0019 (jMorp database). This frequency is lower than the maximum expected allele frequency for a pathogenic variant in SLC26A2 causing Sulfate Transporter-Related Osteochondrodysplasias (0.003). The variant, c.1987G>A, has been reported in the literature in compound heterozygous- and homozygous state in multiple Japanese individuals (i.e. affected fetuses) with Sulfate Transporter-Related Osteochondrodysplasia (Maeda_2006, Sato_2019). These data indicate that the variant is very likely to be associated with disease. One of these publication reported that the variant protein was exclusively observed only in the cytoplasm in an eukaryotic expression system, whereas the wild-type protein was observed on the plasma membrane (with no cytoplasmic or nuclear staining), suggesting that it most likely represents a functionally null mutation, because it is improperly localized to the cytoplasm (Maeda_2006). The following publications have been ascertained in the context of this evaluation (PMID: 16642506, 31880411). ClinVar contains an entry for this variant (Variation ID: 550616). Based on the evidence outlined above, the variant was classified as pathogenic.

Baylor Genetics
Classification: Pathogenic for Achondrogenesis, type IB. Last evaluated: 2023-02-24. Review status: criteria provided, single submitter. Criteria: ACMG Guidelines, 2015. Collection method: clinical testing. Allele origin: unknown.

Labcorp Genetics (formerly Invitae), Labcorp
Classification: Pathogenic for Atelosteogenesis type II; Multiple epiphyseal dysplasia type 4; Achondrogenesis, type IB; Diastrophic dysplasia. Last evaluated: 2022-05-27. Review status: criteria provided, single submitter. Criteria: Invitae Variant Classification Sherloc (09022015). Collection method: clinical testing. Allele origin: germline.
Comment: Experimental studies have shown that this missense change affects SLC26A2 function (PMID: 16642506). Advanced modeling of protein sequence and biophysical properties (such as structural, functional, and spatial information, amino acid conservation, physicochemical variation, residue mobility, and thermodynamic stability) performed at Invitae indicates that this missense variant is expected to disrupt SLC26A2 protein function. ClinVar contains an entry for this variant (Variation ID: 550616). This missense change has been observed in individual(s) with SLC26A2-related conditions (PMID: 16642506, 31880411). In at least one individual the data is consistent with being in trans (on the opposite chromosome) from a pathogenic variant. It has also been observed to segregate with disease in related individuals. This variant is not present in population databases (gnomAD no frequency). This sequence change replaces glycine, which is neutral and non-polar, with arginine, which is basic and polar, at codon 663 of the SLC26A2 protein (p.Gly663Arg). For these reasons, this variant has been classified as Pathogenic.

Department of Maternal-Fetal Biology, National Research Institute for Child Health and Development
Classification: Likely pathogenic for Achondrogenesis, type IB. Last evaluated: 2022-01-01. Review status: criteria provided, single submitter. Criteria: ACMG Guidelines, 2015. Collection method: research. Allele origin: biparental, unknown, maternal. Affected: yes. Observed: 4 variant alleles.

Natera, Inc.
Classification: Pathogenic for Achondrogenesis type IB. Last evaluated: 2020-08-12. Review status: no assertion criteria provided. Collection method: clinical testing. Allele origin: germline. Not counted in ClinVar's aggregate classification.

Counsyl
Classification: Uncertain significance for Multiple epiphyseal dysplasia type 4. Last evaluated: 2017-02-03. Review status: no assertion criteria provided. Collection method: clinical testing. Allele origin: unknown. Not counted in ClinVar's aggregate classification.

Literature cited by the submitters: PubMed 16642506 (cited by 3 submitters); PubMed 31880411 (cited by Women's Health and Genetics/Laboratory Corporation of America, LabCorp and Labcorp Genetics (formerly Invitae), Labcorp).